The following is an entry in ClinVar:

ClinVar aggregate classification (germline): Uncertain significance (1 of 4 stars; one submission).

Conditions:
Pontocerebellar hypoplasia type 9. Identifiers: Orphanet 369920, MedGen C4014354, MONDO:0014351, OMIM 615809.
Hereditary spastic paraplegia 63. Also called: Spastic paraplegia 63, autosomal recessive. Identifiers: Orphanet 401805, MedGen C3810295, MONDO:0014305, OMIM 615686.

Submission:

Labcorp Genetics (formerly Invitae), Labcorp
Classification: Uncertain significance for Pontocerebellar hypoplasia type 9; Hereditary spastic paraplegia 63. Last evaluated: 2025-03-31. Review status: criteria provided, single submitter. Criteria: Invitae Variant Classification Sherloc (09022015). Collection method: clinical testing. Allele origin: germline.
Comment: This sequence change replaces arginine, which is basic and polar, with tryptophan, which is neutral and slightly polar, at codon 217 of the AMPD2 protein (p.Arg217Trp). This variant is present in population databases (no rsID available, gnomAD 0.005%). This variant has not been reported in the literature in individuals affected with AMPD2-related conditions. ClinVar contains an entry for this variant (Variation ID: 2115579). An algorithm developed to predict the effect of missense changes on protein structure and function (PolyPhen-2) suggests that this variant is likely to be tolerated. In summary, the available evidence is currently insufficient to determine the role of this variant in disease. Therefore, it has been classified as a Variant of Uncertain Significance.

NM_001368809.2(AMPD2):c.487C>T (p.Arg163Trp)

Gene: AMPD2 (adenosine monophosphate deaminase 2; plus strand). Cytogenetic location: 1p13.3.
Variant type: single nucleotide variant.
Coding change: c.487C>T on transcript NM_001368809.2 (MANE Select); coding-DNA position 487, C replaced by T.
Protein change: p.Arg163Trp; replaces arginine 163 with tryptophan.
Molecular consequence: missense variant.
Genome position (GRCh38, 1-based): chr1:109,626,383, C>T. VCF-style: chr1-109626383-C-T. GRCh37 (hg19) VCF-style: chr1-110169005-C-T.
Other names: c.649C>T, p.Arg217Trp (NM_001257360.2); c.295C>T, p.Arg99Trp (NM_001257361.2); c.424C>T, p.Arg142Trp (NM_001308170.1); c.487C>T, p.Arg163Trp (NM_004037.9); c.406C>T, p.Arg136Trp (NM_139156.4); short protein forms R142W, R136W, R163W, R217W, R99W.
Identifiers: ClinVar variation 2115579 (VCV002115579.4), dbSNP rs150418456, ClinGen allele CA341555195.